The following is an entry in ClinVar:

ClinVar aggregate classification (germline): Conflicting classifications of pathogenicity. Review status: criteria provided, conflicting classifications (1 of 4 stars). 4 submissions from 4 submitters: Uncertain significance (3); Likely benign (1). Last evaluated 2026-01-18.

Conditions:
Hereditary nonpolyposis colorectal neoplasms. Identifiers: MedGen C0009405, MeSH D003123.
Hereditary cancer-predisposing syndrome. Also called: Neoplastic Syndromes, Hereditary; Tumor predisposition; Hereditary Cancer Syndrome; Hereditary neoplastic syndrome. Identifiers: Orphanet 140162, MedGen C0027672, MeSH D009386, MONDO:0015356.
Hereditary breast ovarian cancer syndrome. Also called: Breast and ovarian cancer; Hereditary breast and ovarian cancer; Hereditary breast and/or ovarian cancer syndrome; BRCA1- and BRCA2-Associated Hereditary Breast and Ovarian Cancer; Hereditary breast and ovarian cancer syndrome; Hereditary breast and ovarian cancer syndrome (HBOC). Identifiers: Orphanet 145, MedGen C0677776, MeSH D061325, MONDO:0003582. Disease mechanism: loss of function.

Submissions (4):

Labcorp Genetics (formerly Invitae), Labcorp
Classification: Likely benign for Hereditary nonpolyposis colorectal neoplasms. Last evaluated: 2026-01-18. Review status: criteria provided, single submitter. Criteria: Invitae Variant Classification Sherloc (09022015). Collection method: clinical testing. Allele origin: germline.

Color Diagnostics, LLC DBA Color Health
Classification: Uncertain significance for Hereditary cancer-predisposing syndrome. Last evaluated: 2025-05-05. Review status: criteria provided, single submitter. Criteria: ACMG Guidelines, 2015. Collection method: clinical testing. Allele origin: germline.
Comment: This missense variant replaces alanine with glycine at codon 1230 of the MSH6 protein. Computational prediction suggests that this variant may have deleterious impact on protein structure and function. To our knowledge, functional studies have not been reported for this variant. This variant has not been reported in individuals affected with MSH6-related disorders in the literature. This variant has been identified in 4/251228 chromosomes in the general population by the Genome Aggregation Database (gnomAD). The available evidence is insufficient to determine the role of this variant in disease conclusively. Therefore, this variant is classified as a Variant of Uncertain Significance.

Ambry Genetics
Classification: Uncertain significance for Hereditary cancer-predisposing syndrome. Last evaluated: 2025-04-09. Review status: criteria provided, single submitter. Criteria: Ambry Variant Classification Scheme 2023. Collection method: clinical testing. Allele origin: germline.
Comment: The p.A1230G variant (also known as c.3689C>G), located in coding exon 8 of the MSH6 gene, results from a C to G substitution at nucleotide position 3689. The alanine at codon 1230 is replaced by glycine, an amino acid with similar properties. This amino acid position is highly conserved in available vertebrate species. In addition, this alteration is predicted to be deleterious by in silico analysis. Based on the available evidence, the clinical significance of this variant remains unclear.

Cancer Genomics Group, Japanese Foundation For Cancer Research
Classification: Uncertain significance for Hereditary breast and ovarian cancer syndrome. Last evaluated: 2019-05-01. Review status: criteria provided, single submitter. Criteria: ACMG Guidelines, 2015. Collection method: research. Allele origin: germline. Affected: yes.

NM_000179.3(MSH6):c.3689C>G (p.Ala1230Gly)

Gene: MSH6 (mutS homolog 6; plus strand). Cytogenetic location: 2p16.3.
Variant type: single nucleotide variant.
Coding change: c.3689C>G on transcript NM_000179.3 (MANE Select); coding-DNA position 3689, C replaced by G.
Protein change: p.Ala1230Gly; replaces alanine 1230 with glycine.
Molecular consequence: missense variant.
Genome position (GRCh38, 1-based): chr2:47,806,246, C>G. VCF-style: chr2-47806246-C-G. GRCh37 (hg19) VCF-style: chr2-48033385-C-G.
Other names: c.3299C>G, p.Ala1100Gly (NM_001281492.2); c.2783C>G, p.Ala928Gly (NM_001281493.2, NM_001281494.2); short protein forms A1230G, A1100G, A928G.
Identifiers: ClinVar variation 141924 (VCV000141924.21), dbSNP rs587782117, ClinGen allele CA013825.